The following is an entry in ClinVar:

ClinVar aggregate classification (germline): Uncertain significance. Review status: criteria provided, multiple submitters, no conflicts (2 of 4 stars). 3 submissions from 3 submitters: Uncertain significance (3). Last evaluated 2023-12-12.

Conditions:
Leber congenital amaurosis 6 (LCA6). Identifiers: Orphanet 65, MedGen C1854260, MONDO:0013446, OMIM 613826.
Cone-rod dystrophy 13 (CORD13). Identifiers: Orphanet 1872, MedGen C2750720, MONDO:0011987, OMIM 608194.

Allele frequency attached by ClinVar (database versions not stated): gnomAD 0.00001; gnomAD exomes 0.00001 and 0.00003; TOPMed 0.00002.
gnomAD v4.1: 49 of 1,608,632 alleles (0.003%); highest among the groups gnomAD compares: Non-Finnish European, 0.004%; no homozygotes.

Submissions (3):

Women's Health and Genetics/Laboratory Corporation of America, LabCorp
Classification: Uncertain significance. Last evaluated: 2023-12-12. Review status: criteria provided, single submitter. Criteria: LabCorp Variant Classification Summary - May 2015. Collection method: clinical testing. Allele origin: germline.
Comment: Variant summary: RPGRIP1 c.953C>T (p.Ala318Val) results in a non-conservative amino acid change in the encoded protein sequence. Four of five in-silico tools predict a damaging effect of the variant on protein function. The variant allele was found at a frequency of 8.3e-06 in 242032 control chromosomes. The available data on variant occurrences in the general population are insufficient to allow any conclusion about variant significance. c.953C>T has been reported in the literature in one individual affected with primary open angle glaucoma, without strong evidence for causality (example, Fernandez-Martinez_2011). These report(s) do not provide unequivocal conclusions about association of the variant with Leber Congenital Amaurosis. To our knowledge, no experimental evidence demonstrating an impact on protein function has been reported. The following publication have been ascertained in the context of this evaluation (PMID: 21224891). One submitter has cited clinical-significance assessments for this variant to ClinVar after 2014 and has classified the variant as uncertain significance. Based on the evidence outlined above, the variant was classified as uncertain significance.

Labcorp Genetics (formerly Invitae), Labcorp
Classification: Uncertain significance for Leber congenital amaurosis 6; Cone-rod dystrophy 13. Last evaluated: 2022-01-20. Review status: criteria provided, single submitter. Criteria: Invitae Variant Classification Sherloc (09022015). Collection method: clinical testing. Allele origin: germline.
Comment: This sequence change replaces alanine, which is neutral and non-polar, with valine, which is neutral and non-polar, at codon 318 of the RPGRIP1 protein (p.Ala318Val). The frequency data for this variant in the population databases is considered unreliable, as metrics indicate poor data quality at this position in the gnomAD database. This missense change has been observed in individual(s) with clinical features of RPGRIP1-related conditions (PMID: 21224891). Algorithms developed to predict the effect of missense changes on protein structure and function are either unavailable or do not agree on the potential impact of this missense change (SIFT: "Tolerated"; PolyPhen-2: "Possibly Damaging"; Align-GVGD: "Class C0"). In summary, the available evidence is currently insufficient to determine the role of this variant in disease. Therefore, it has been classified as a Variant of Uncertain Significance.

Blueprint Genetics
Classification: Uncertain significance. Last evaluated: 2020-04-06. Review status: criteria provided, single submitter. Criteria: ACMG Guidelines, 2015. Collection method: clinical testing. Allele origin: germline.

Literature cited by the submitters: PubMed 21224891 (cited by Women's Health and Genetics/Laboratory Corporation of America, LabCorp and Labcorp Genetics (formerly Invitae), Labcorp).

NM_020366.4(RPGRIP1):c.953C>T (p.Ala318Val)

Gene: RPGRIP1 (RPGR interacting protein 1; plus strand). Cytogenetic location: 14q11.2.
Variant type: single nucleotide variant.
Coding change: c.953C>T on transcript NM_020366.4 (MANE Select); coding-DNA position 953, C replaced by T.
Protein change: p.Ala318Val; replaces alanine 318 with valine.
Molecular consequence: missense variant.
Genome position (GRCh38, 1-based): chr14:21,311,846, C>T. VCF-style: chr14-21311846-C-T. GRCh37 (hg19) VCF-style: chr14-21780005-C-T.
Other names: short protein forms A318V.
Identifiers: ClinVar variation 1418553 (VCV001418553.7), dbSNP rs1325466987, ClinGen allele CA388862170.